The following is an entry in ClinVar:

ClinVar aggregate classification (germline): Uncertain significance (1 of 4 stars; one submission).

Conditions:
Inborn genetic diseases. Identifiers: MedGen C0950123, MeSH D030342.

Allele frequency attached by ClinVar (database versions not stated): gnomAD 0.00001; gnomAD exomes below 0.00001.
gnomAD v4.1: 3 of 1,613,864 alleles (0.00019%); highest among the groups gnomAD compares: Non-Finnish European, 0.00025%; no homozygotes.

Submission:

Ambry Genetics
Classification: Uncertain significance for Inborn genetic diseases. Last evaluated: 2025-10-29. Review status: criteria provided, single submitter. Criteria: Ambry Variant Classification Scheme 2023. Collection method: clinical testing. Allele origin: germline.
Comment: The p.I130V variant (also known as c.388A>G), located in coding exon 4 of the CCM2 gene, results from an A to G substitution at nucleotide position 388. The isoleucine at codon 130 is replaced by valine, an amino acid with highly similar properties. This amino acid position is conserved. In addition, this alteration is predicted to be tolerated by in silico analysis. Based on the available evidence, the clinical significance of this variant remains unclear.

NM_031443.4(CCM2):c.388A>G (p.Ile130Val)

Gene: CCM2 (CCM2 scaffold protein; plus strand). Cytogenetic location: 7p13.
Variant type: single nucleotide variant.
Coding change: c.388A>G on transcript NM_031443.4 (MANE Select); coding-DNA position 388, A replaced by G.
Protein change: p.Ile130Val; replaces isoleucine 130 with valine.
Molecular consequence: missense variant. On other transcripts: non-coding transcript variant (1).
Genome position (GRCh38, 1-based): chr7:45,064,562, A>G. VCF-style: chr7-45064562-A-G. GRCh37 (hg19) VCF-style: chr7-45104161-A-G.
Other names: c.451A>G, p.Ile151Val (NM_001029835.2); c.214A>G, p.Ile72Val (NM_001167934.2, NM_001363459.2); c.388A>G, p.Ile130Val (NM_001167935.2, NM_001363458.2); short protein forms I151V, I130V, I72V.
Identifiers: ClinVar variation 3139759 (VCV003139759.2), dbSNP rs1418279801, ClinGen allele CA367430014.